The following is an entry in ClinVar:

ClinVar aggregate classification (germline): Uncertain significance (1 of 4 stars; one submission).

Conditions:
Kufor-Rakeb syndrome (KRS). Also called: PARKINSON DISEASE 9, AUTOSOMAL RECESSIVE, JUVENILE-ONSET. Identifiers: Orphanet 306674, Orphanet 314632, MedGen C1847640, MONDO:0011706, OMIM 606693.
Autosomal recessive spastic paraplegia type 78. Identifiers: Orphanet 513436, MedGen C5567893, MONDO:0014975, OMIM 617225.

Allele frequency attached by ClinVar (database versions not stated): TOPMed below 0.00001; gnomAD 0.00001.
gnomAD v4.1: 4 of 1,578,830 alleles (0.00025%); highest among the groups gnomAD compares: Non-Finnish European, 0.00017%; no homozygotes.

Submission:

Labcorp Genetics (formerly Invitae), Labcorp
Classification: Uncertain significance for Kufor-Rakeb syndrome; Autosomal recessive spastic paraplegia type 78. Last evaluated: 2022-08-10. Review status: criteria provided, single submitter. Criteria: Invitae Variant Classification Sherloc (09022015). Collection method: clinical testing. Allele origin: germline.
Comment: This sequence change replaces cysteine, which is neutral and slightly polar, with phenylalanine, which is neutral and non-polar, at codon 1141 of the ATP13A2 protein (p.Cys1141Phe). This variant is not present in population databases (gnomAD no frequency). This variant has not been reported in the literature in individuals affected with ATP13A2-related conditions. Advanced modeling of protein sequence and biophysical properties (such as structural, functional, and spatial information, amino acid conservation, physicochemical variation, residue mobility, and thermodynamic stability) performed at Invitae indicates that this missense variant is not expected to disrupt ATP13A2 protein function. In summary, the available evidence is currently insufficient to determine the role of this variant in disease. Therefore, it has been classified as a Variant of Uncertain Significance.

NM_022089.4(ATP13A2):c.3422G>T (p.Cys1141Phe)

Gene: ATP13A2 (ATPase cation transporting 13A2; minus strand). Cytogenetic location: 1p36.13.
Variant type: single nucleotide variant.
Coding change: c.3422G>T on transcript NM_022089.4 (MANE Select); coding-DNA position 3422, G replaced by T.
Protein change: p.Cys1141Phe; replaces cysteine 1141 with phenylalanine.
Molecular consequence: missense variant. On other transcripts: synonymous variant (1).
Genome position (GRCh38, 1-based): chr1:16,986,342, C>A on the plus strand (G>T on the coding strand, the complement: ATP13A2 is on the minus strand). VCF-style: chr1-16986342-C-A. GRCh37 (hg19) VCF-style: chr1-17312837-C-A.
Other names: c.3407G>T, p.Cys1136Phe (NM_001141973.3); c.3120G>T, p.Val1040= (NM_001141974.3); short protein forms C1136F, C1141F.
Identifiers: ClinVar variation 1991340 (VCV001991340.4), dbSNP rs1286550266, ClinGen allele CA338232535.